The following is an entry in ClinVar:

NM_030761.5(WNT4):c.834C>A (p.Asp278Glu)

Gene: WNT4 (Wnt family member 4; minus strand). Cytogenetic location: 1p36.12.
Variant type: single nucleotide variant.
Coding change: c.834C>A on transcript NM_030761.5 (MANE Select); coding-DNA position 834, C replaced by A.
Protein change: p.Asp278Glu; replaces aspartic acid 278 with glutamic acid.
Molecular consequence: missense variant.
Genome position (GRCh38, 1-based): chr1:22,120,272, G>T on the plus strand (C>A on the coding strand, the complement: WNT4 is on the minus strand). VCF-style: chr1-22120272-G-T. GRCh37 (hg19) VCF-style: chr1-22446765-G-T.
Other names: short protein forms D278E.
Identifiers: ClinVar variation 3676139 (VCV003676139.2).
Genomic context (GRCh38, chr1:22,120,272, plus strand): 5'-CTTGTTGCATGTGCGGCCCCTCGTGCCCAGCACGCCGCTGCGCATGTCCTGCTCACAGAA[G>T]TCGGGGCTAGGCTCCAAGTACACCAGGTCCTCATCTGTGTGCGGCTTGAACTGTGCGTTG-3'
Protein context (NP_110388.2, residues 268-288): EDLVYLEPSP[Asp278Glu]FCEQDMRSGV

ClinVar aggregate classification (germline): Uncertain significance (1 of 4 stars; one submission).

gnomAD v4.1: 2 of 1,614,210 alleles (0.00012%); highest among the groups gnomAD compares: Non-Finnish European, 0.000085%; no homozygotes.

Submission:

Labcorp Genetics (formerly Invitae), Labcorp
Classification: Uncertain significance. Last evaluated: 2024-09-30. Review status: criteria provided, single submitter. Criteria: Invitae Variant Classification Sherloc (09022015). Collection method: clinical testing. Allele origin: germline.
Comment: This sequence change replaces aspartic acid, which is acidic and polar, with glutamic acid, which is acidic and polar, at codon 278 of the WNT4 protein (p.Asp278Glu). This variant is present in population databases (no rsID available, gnomAD 0.0009%). This variant has not been reported in the literature in individuals affected with WNT4-related conditions. Invitae Evidence Modeling of protein sequence and biophysical properties (such as structural, functional, and spatial information, amino acid conservation, physicochemical variation, residue mobility, and thermodynamic stability) indicates that this missense variant is not expected to disrupt WNT4 protein function with a negative predictive value of 80%. In summary, the available evidence is currently insufficient to determine the role of this variant in disease. Therefore, it has been classified as a Variant of Uncertain Significance.